The following is an entry in ClinVar:

NM_015346.4(ZFYVE26):c.1224G>T (p.Gly408=)

Gene: ZFYVE26 (zinc finger FYVE-type containing 26; minus strand). Cytogenetic location: 14q24.1.
Variant type: single nucleotide variant.
Coding change: c.1224G>T on transcript NM_015346.4 (MANE Select); coding-DNA position 1224, G replaced by T.
Protein change: p.Gly408=; no amino-acid change (glycine 408 retained).
Molecular consequence: synonymous variant.
Genome position (GRCh38, 1-based): chr14:67,805,264, C>A on the plus strand (G>T on the coding strand, the complement: ZFYVE26 is on the minus strand). VCF-style: chr14-67805264-C-A. GRCh37 (hg19) VCF-style: chr14-68271981-C-A.
Other names: p.Gly408=.
Identifiers: ClinVar variation 130776 (VCV000130776.28), dbSNP rs17104689, ClinGen allele CA156049.

ClinVar aggregate classification (germline): Benign/Likely benign. Review status: criteria provided, multiple submitters, no conflicts (2 of 4 stars). 10 submissions from 10 submitters: Benign (8); Likely benign (1). 1 of the submissions does not count toward it. Last evaluated 2026-01-31.

Conditions:
Spastic paraplegia. Identifiers: MedGen C0037772, HP:0001258.
Hereditary spastic paraplegia. Also called: Familial spastic paraparesis. Identifiers: Orphanet 685, MedGen C0037773, MONDO:0019064. Disease mechanism: loss of function.
Hereditary spastic paraplegia 15 (SPG15). Also called: KJELLIN SYNDROME; SPASTIC PARAPLEGIA 15, AUTOSOMAL RECESSIVE; SPASTIC PARAPLEGIA AND RETINAL DEGENERATION. Identifiers: Orphanet 100996, MedGen C1849128, MONDO:0010044, OMIM 270700.

Allele frequency attached by ClinVar (database versions not stated): gnomAD 0.03409 and 0.03359; 1000 Genomes Project 0.04633; 1000 Genomes Project 30x 0.04825; gnomAD exomes 0.01861 and 0.01518; TOPMed 0.03689; ExAC 0.02164; ESP Exome Variant Server 0.03752.
gnomAD v4.1: 27,406 of 1,614,060 alleles (1.7%); highest among the groups gnomAD compares: African/African-American, 8.6%; 546 homozygotes.

Submissions (28):

Labcorp Genetics (formerly Invitae), Labcorp
Classification: Benign for Spastic paraplegia. Last evaluated: 2026-01-31. Review status: criteria provided, single submitter. Criteria: Invitae Variant Classification Sherloc (09022015). Collection method: clinical testing. Allele origin: germline.

Blueprint Genetics
Classification: Likely benign. Last evaluated: 2024-11-27. Review status: criteria provided, single submitter. Criteria: ACMG Guidelines, 2015. Collection method: clinical testing. Allele origin: germline.

Genome-Nilou Lab
Classification: Benign for Hereditary spastic paraplegia 15. Last evaluated: 2021-12-05. Review status: criteria provided, single submitter. Criteria: ACMG Guidelines, 2015. Collection method: clinical testing. Allele origin: germline. Affected: no.

Genome Diagnostics Laboratory, The Hospital for Sick Children
Classification: Benign for Hereditary spastic paraplegia. Last evaluated: 2021-11-11. Review status: criteria provided, single submitter. Criteria: ACMG Guidelines, 2015. Collection method: clinical testing. Allele origin: germline. Affected: yes.

Illumina Laboratory Services, Illumina
Classification: Benign for Hereditary spastic paraplegia 15. Last evaluated: 2018-01-12. Review status: criteria provided, single submitter. Criteria: ICSL Variant Classification Criteria 13 December 2019. Collection method: clinical testing. Allele origin: germline.
Comment: This variant was observed in the ICSL laboratory as part of a predisposition screen in an ostensibly healthy population. It had not been previously curated by ICSL or reported in the Human Gene Mutation Database (HGMD: prior to June 1st, 2018), and was therefore a candidate for classification through an automated scoring system. Utilizing variant allele frequency, disease prevalence and penetrance estimates, and inheritance mode, an automated score was calculated to assess if this variant is too frequent to cause the disease. Based on the score and internal cut-off values, a variant classified as benign is not then subjected to further curation. The score for this variant resulted in a classification of benign for this disease.

Athena Diagnostics
Classification: Benign. Last evaluated: 2017-09-30. Review status: criteria provided, single submitter. Criteria: Athena Diagnostics Criteria. Collection method: clinical testing. Allele origin: germline.

GeneDx
Classification: Benign. Last evaluated: 2016-05-25. Review status: criteria provided, single submitter. Criteria: GeneDx Variant Classification (06012015). Collection method: clinical testing. Allele origin: germline. Affected: yes.
Comment: This variant is considered likely benign or benign based on one or more of the following criteria: it is a conservative change, it occurs at a poorly conserved position in the protein, it is predicted to be benign by multiple in silico algorithms, and/or has population frequency not consistent with disease.

Mayo Clinic Laboratories, Mayo Clinic
Classification: Benign. Last evaluated: 2016-05-23. Review status: criteria provided, single submitter. Criteria: ACMG Guidelines, 2015. Collection method: clinical testing. Allele origin: germline. Observed: 54 variant alleles.

Breakthrough Genomics
Classification: Benign. Review status: criteria provided, single submitter. Criteria: ACMG Guidelines, 2015. Collection method: not provided. Allele origin: germline. Inheritance: Autosomal recessive inheritance. Affected: yes.

Dr. Peter K. Rogan Lab, Western University
No classification provided (evidence only). Condition: Lung cancer. Review status: no classification provided. Collection method: in vitro. Allele origin: not applicable. Functional consequence: skipped exon. Not counted in ClinVar's aggregate classification.

Dr. Peter K. Rogan Lab, Western University
No classification provided (evidence only). Condition: Lung cancer. Review status: no classification provided. Collection method: in vitro. Allele origin: not applicable. Functional consequence: skipped exon. Not counted in ClinVar's aggregate classification.

Dr. Peter K. Rogan Lab, Western University
No classification provided (evidence only). Condition: Acute myeloid leukemia. Review status: no classification provided. Collection method: in vitro. Allele origin: not applicable. Functional consequence: skipped exon, retained intron. Not counted in ClinVar's aggregate classification.

Dr. Peter K. Rogan Lab, Western University
No classification provided (evidence only). Condition: Thyroid cancer, nonmedullary, 1. Review status: no classification provided. Collection method: in vitro. Allele origin: not applicable. Functional consequence: skipped exon. Not counted in ClinVar's aggregate classification.

Dr. Peter K. Rogan Lab, Western University
No classification provided (evidence only). Condition: Thyroid cancer, nonmedullary, 1. Review status: no classification provided. Collection method: in vitro. Allele origin: not applicable. Functional consequence: retained intron. Not counted in ClinVar's aggregate classification.

Dr. Peter K. Rogan Lab, Western University
No classification provided (evidence only). Condition: Uterine corpus endometrial carcinoma. Review status: no classification provided. Collection method: in vitro. Allele origin: not applicable. Functional consequence: skipped exon. Not counted in ClinVar's aggregate classification.

Dr. Peter K. Rogan Lab, Western University
No classification provided (evidence only). Condition: Cervical cancer. Review status: no classification provided. Collection method: in vitro. Allele origin: not applicable. Functional consequence: skipped exon, retained intron. Not counted in ClinVar's aggregate classification.

Dr. Peter K. Rogan Lab, Western University
No classification provided (evidence only). Condition: Cervical cancer. Review status: no classification provided. Collection method: in vitro. Allele origin: not applicable. Functional consequence: retained intron. Not counted in ClinVar's aggregate classification.

Dr. Peter K. Rogan Lab, Western University
No classification provided (evidence only). Condition: Cervical cancer. Review status: no classification provided. Collection method: in vitro. Allele origin: not applicable. Functional consequence: retained intron. Not counted in ClinVar's aggregate classification.

Dr. Peter K. Rogan Lab, Western University
No classification provided (evidence only). Condition: Hepatocellular carcinoma. Review status: no classification provided. Collection method: in vitro. Allele origin: not applicable. Functional consequence: retained intron. Not counted in ClinVar's aggregate classification.

Dr. Peter K. Rogan Lab, Western University
No classification provided (evidence only). Condition: Thymoma. Review status: no classification provided. Collection method: in vitro. Allele origin: not applicable. Functional consequence: retained intron. Not counted in ClinVar's aggregate classification.

Dr. Peter K. Rogan Lab, Western University
No classification provided (evidence only). Condition: Ovarian serous cystadenocarcinoma. Review status: no classification provided. Collection method: in vitro. Allele origin: not applicable. Functional consequence: retained intron. Not counted in ClinVar's aggregate classification.

Dr. Peter K. Rogan Lab, Western University
No classification provided (evidence only). Condition: Ovarian serous cystadenocarcinoma. Review status: no classification provided. Collection method: in vitro. Allele origin: not applicable. Functional consequence: retained intron. Not counted in ClinVar's aggregate classification.

Dr. Peter K. Rogan Lab, Western University
No classification provided (evidence only). Condition: Ovarian serous cystadenocarcinoma. Review status: no classification provided. Collection method: in vitro. Allele origin: not applicable. Functional consequence: retained intron. Not counted in ClinVar's aggregate classification.

Dr. Peter K. Rogan Lab, Western University
No classification provided (evidence only). Condition: Ovarian serous cystadenocarcinoma. Review status: no classification provided. Collection method: in vitro. Allele origin: not applicable. Functional consequence: retained intron. Not counted in ClinVar's aggregate classification.

Dr. Peter K. Rogan Lab, Western University
No classification provided (evidence only). Condition: Malignant tumor of esophagus. Review status: no classification provided. Collection method: in vitro. Allele origin: not applicable. Functional consequence: retained intron. Not counted in ClinVar's aggregate classification.

Dr. Peter K. Rogan Lab, Western University
No classification provided (evidence only). Condition: Malignant tumor of esophagus. Review status: no classification provided. Collection method: in vitro. Allele origin: not applicable. Functional consequence: retained intron. Not counted in ClinVar's aggregate classification.

Dr. Peter K. Rogan Lab, Western University
No classification provided (evidence only). Condition: Malignant tumor of esophagus. Review status: no classification provided. Collection method: in vitro. Allele origin: not applicable. Functional consequence: retained intron. Not counted in ClinVar's aggregate classification.

Genetic Services Laboratory, University of Chicago
Classification: Likely benign for AllHighlyPenetrant. Review status: no assertion criteria provided. Collection method: clinical testing. Allele origin: germline. Inheritance: Autosomal recessive inheritance. Not counted in ClinVar's aggregate classification.
Comment: Likely benign based on allele frequency in 1000 Genomes Project or ESP global frequency and its presence in a patient with a rare or unrelated disease phenotype. NOT Sanger confirmed.